The following is an entry in ClinVar:

ClinVar aggregate classification (germline): Uncertain significance (1 of 4 stars; one submission).

Conditions:
Developmental and epileptic encephalopathy, 53. Also called: Epileptic encephalopathy, early infantile, 53. Identifiers: MedGen C4479313, MONDO:0033362, OMIM 617389.
Early-onset Parkinson disease 20. Also called: PARKINSON DISEASE 20, AUTOSOMAL RECESSIVE EARLY-ONSET. Identifiers: Orphanet 391411, MedGen C3809824, MONDO:0014233, OMIM 615530.

Allele frequency attached by ClinVar (database versions not stated): TOPMed 0.00002; gnomAD 0.00003; ESP Exome Variant Server 0.00015.
gnomAD v4.1: 43 of 1,608,882 alleles (0.0027%); highest among the groups gnomAD compares: Non-Finnish European, 0.0037%; no homozygotes.

Submission:

Labcorp Genetics (formerly Invitae), Labcorp
Classification: Uncertain significance for Developmental and epileptic encephalopathy, 53; Early-onset Parkinson disease 20. Last evaluated: 2022-01-17. Review status: criteria provided, single submitter. Criteria: Invitae Variant Classification Sherloc (09022015). Collection method: clinical testing. Allele origin: germline.
Comment: This sequence change replaces arginine, which is basic and polar, with threonine, which is neutral and polar, at codon 196 of the SYNJ1 protein (p.Arg196Thr). This variant is present in population databases (rs375831365, gnomAD 0.002%). This variant has not been reported in the literature in individuals affected with SYNJ1-related conditions. ClinVar contains an entry for this variant (Variation ID: 582994). Algorithms developed to predict the effect of missense changes on protein structure and function are either unavailable or do not agree on the potential impact of this missense change (SIFT: "Deleterious"; PolyPhen-2: "Probably Damaging"; Align-GVGD: "Class C0"). In summary, the available evidence is currently insufficient to determine the role of this variant in disease. Therefore, it has been classified as a Variant of Uncertain Significance.

NM_203446.3(SYNJ1):c.470G>C (p.Arg157Thr)

Gene: SYNJ1 (synaptojanin 1; minus strand). Cytogenetic location: 21q22.11.
Variant type: single nucleotide variant.
Coding change: c.470G>C on transcript NM_203446.3 (MANE Select); coding-DNA position 470, G replaced by C.
Protein change: p.Arg157Thr; replaces arginine 157 with threonine.
Molecular consequence: missense variant.
Genome position (GRCh38, 1-based): chr21:32,699,847, C>G on the plus strand (G>C on the coding strand, the complement: SYNJ1 is on the minus strand). VCF-style: chr21-32699847-C-G. GRCh37 (hg19) VCF-style: chr21-34072157-C-G.
Other names: c.470G>C, p.Arg157Thr (NM_001160302.2, NM_001160306.2); c.587G>C, p.Arg196Thr (NM_003895.4); short protein forms R196T, R157T.
Identifiers: ClinVar variation 582994 (VCV000582994.6), dbSNP rs375831365, ClinGen allele CA10004131.